The following is an entry in ClinVar:

Conditions:
Long QT syndrome 5 (LQT5). Identifiers: Orphanet 101016, Orphanet 768, MedGen C1867904, MONDO:0013372, OMIM 613695.

Submission:

Roden Lab, Vanderbilt University Medical Center
No classification provided (evidence only). Condition: Long QT syndrome 5. Review status: no classification provided. Collection method: in vitro. Allele origin: not applicable. Functional consequence: Effect on ion channel function.
ClinVar note: "not provided" was previously submitted as the classification for the variant. However, the classification appeared to be based only on an observation of functional data so it was converted to no classification on 2025-07-30.

NM_000219.6(KCNE1):c.282T>A (p.Tyr94Ter)

Gene: KCNE1 (potassium voltage-gated channel subfamily E regulatory subunit 1; minus strand). Cytogenetic location: 21q22.12.
Variant type: single nucleotide variant.
Coding change: c.282T>A on transcript NM_000219.6 (MANE Select); coding-DNA position 282, T replaced by A.
Protein change: p.Tyr94Ter; replaces tyrosine 94 with a stop codon.
Molecular consequence: nonsense.
Genome position (GRCh38, 1-based): chr21:34,449,353, A>T on the plus strand (T>A on the coding strand, the complement: KCNE1 is on the minus strand). VCF-style: chr21-34449353-A-T. GRCh37 (hg19) VCF-style: chr21-35821651-A-T.
Other names: c.282T>A, p.Tyr94Ter (NM_001127668.4, NM_001127669.4, NM_001127670.4 and 4 more transcripts); short protein forms Y94*.
Identifiers: ClinVar variation 3374525 (VCV003374525.2).
Genomic context (GRCh38, chr21:34,449,353, plus strand): 5'-GGCCAGATGGTTTTCAACGACATAGCACGACCTGTAGCTCTCCAGGACCCGGGCCTGGAC[A>T]TAGGCCTTGTCCTTCTCTTGCCAGGCATCGGACTCGATGTAGACGTTGAATGGGTCGTTC-3'